The following is an entry in ClinVar:

ClinVar aggregate classification (germline): Uncertain significance (1 of 4 stars; one submission).

Conditions:
Epidermolysis bullosa simplex 5B, with muscular dystrophy (EBS5B). Also called: EPIDERMOLYSIS BULLOSA SIMPLEX AND LIMB-GIRDLE MUSCULAR DYSTROPHY; Epidermolysis bullosa simplex with muscular dystrophy. Identifiers: Orphanet 257, MedGen C2931072, MONDO:0009181, OMIM 226670.
Epidermolysis bullosa simplex, Ogna type (EBS5A). Also called: Pidermolysis bullosa simplex 5A, Ogna type; EPIDERMOLYSIS BULLOSA SIMPLEX 5A, OGNA TYPE. Identifiers: Orphanet 79401, MedGen C0432317, MONDO:0007555, OMIM 131950.
Epidermolysis bullosa simplex with nail dystrophy (EBS5D). Identifiers: MedGen C4225309, MONDO:0014661, OMIM 616487.
Epidermolysis bullosa simplex 5C, with pyloric atresia (EBS5C). Also called: PLEC1-Related Epidermolysis Bullosa with Pyloric Atresia; Epidermolysis bullosa simplex with pyloric atresia; PLEC-Related Epidermolysis Bullosa with Pyloric Atresia. Identifiers: Orphanet 158684, MedGen C2677349, MONDO:0012807, OMIM 612138.
Autosomal recessive limb-girdle muscular dystrophy type 2Q (LGMDR17). Also called: MUSCULAR DYSTROPHY, LIMB-GIRDLE, AUTOSOMAL RECESSIVE 17. Identifiers: Orphanet 254361, MedGen C3150989, MONDO:0013390, OMIM 613723.

Allele frequency attached by ClinVar (database versions not stated): TOPMed below 0.00001; gnomAD 0.00001.

Submission:

Labcorp Genetics (formerly Invitae), Labcorp
Classification: Uncertain significance for Autosomal recessive limb-girdle muscular dystrophy type 2Q; Epidermolysis bullosa simplex, Ogna type; Epidermolysis bullosa simplex with nail dystrophy; Epidermolysis bullosa simplex 5C, with pyloric atresia; Epidermolysis bullosa simplex 5B, with muscular dystrophy. Last evaluated: 2025-10-24. Review status: criteria provided, single submitter. Criteria: Invitae Variant Classification Sherloc (09022015). Collection method: clinical testing. Allele origin: germline.
Comment: This sequence change replaces alanine, which is neutral and non-polar, with serine, which is neutral and polar, at codon 2160 of the PLEC protein (p.Ala2160Ser). This variant is not present in population databases (gnomAD no frequency). This variant has not been reported in the literature in individuals affected with PLEC-related conditions. ClinVar contains an entry for this variant (Variation ID: 1422838). An algorithm developed to predict the effect of missense changes on protein structure and function (PolyPhen-2) suggests that this variant is likely to be tolerated. In summary, the available evidence is currently insufficient to determine the role of this variant in disease. Therefore, it has been classified as a Variant of Uncertain Significance.

NM_201384.3(PLEC):c.6397G>T (p.Ala2133Ser)

Gene: PLEC (plectin; minus strand). Cytogenetic location: 8q24.3.
Variant type: single nucleotide variant.
Coding change: c.6397G>T on transcript NM_201384.3 (MANE Select); coding-DNA position 6397, G replaced by T.
Protein change: p.Ala2133Ser; replaces alanine 2133 with serine.
Molecular consequence: missense variant.
Genome position (GRCh38, 1-based): chr8:143,923,532, C>A on the plus strand (G>T on the coding strand, the complement: PLEC is on the minus strand). VCF-style: chr8-143923532-C-A. GRCh37 (hg19) VCF-style: chr8-144997700-C-A.
Other names: c.6478G>T, p.Ala2160Ser (NM_000445.5); c.6355G>T, p.Ala2119Ser (NM_201378.4); c.6331G>T, p.Ala2111Ser (NM_201379.3); c.6808G>T, p.Ala2270Ser (NM_201380.4); c.6301G>T, p.Ala2101Ser (NM_201381.3); c.6397G>T, p.Ala2133Ser (NM_201382.4); c.6409G>T, p.Ala2137Ser (NM_201383.3); short protein forms A2101S, A2137S, A2160S, A2270S, A2133S, A2111S, A2119S.
Identifiers: ClinVar variation 1422838 (VCV001422838.6), dbSNP rs916312856, ClinGen allele CA187614370.